The following is an entry in ClinVar:

NM_000535.7(PMS2):c.1916G>C (p.Ser639Thr)

Gene: PMS2 (PMS1 homolog 2, mismatch repair system component; minus strand). Cytogenetic location: 7p22.1.
Variant type: single nucleotide variant.
Coding change: c.1916G>C on transcript NM_000535.7 (MANE Select); coding-DNA position 1916, G replaced by C.
Protein change: p.Ser639Thr; replaces serine 639 with threonine.
Molecular consequence: missense variant. On other transcripts: non-coding transcript variant (1), intron variant (1).
Genome position (GRCh38, 1-based): chr7:5,986,849, C>G on the plus strand (G>C on the coding strand, the complement: PMS2 is on the minus strand). VCF-style: chr7-5986849-C-G. GRCh37 (hg19) VCF-style: chr7-6026480-C-G.
Other names: c.1511G>C, p.Ser504Thr (NM_001018040.1, NM_001322003.2, NM_001322004.2 and 17 more transcripts); c.983G>C, p.Ser328Thr (NM_001322012.2, NM_001322011.2); c.1343G>C, p.Ser448Thr (NM_001322013.2, NM_001406909.1); c.1916G>C, p.Ser639Thr (NM_001322014.2, NM_001406872.1, NM_001406871.1); c.1607G>C, p.Ser536Thr (NM_001322015.2, NM_001406875.1, NM_001406877.1 and 5 more transcripts); c.2102G>C, p.Ser701Thr (NM_001406866.1); c.1718G>C, p.Ser573Thr (NM_001406873.1); c.1940G>C, p.Ser647Thr (NM_001406868.1); and 13 more; short protein forms S448T, S468T, S504T, S527T, S583T, S639T, S328T, S536T.
Identifiers: ClinVar variation 2848013 (VCV002848013.3), dbSNP rs876659769, ClinGen allele CA366739273.

ClinVar aggregate classification (germline): Uncertain significance (1 of 4 stars; one submission).

Conditions:
Hereditary nonpolyposis colorectal neoplasms. Identifiers: MedGen C0009405, MeSH D003123.

Submission:

Labcorp Genetics (formerly Invitae), Labcorp
Classification: Uncertain significance for Hereditary nonpolyposis colorectal neoplasms. Last evaluated: 2023-03-21. Review status: criteria provided, single submitter. Criteria: Invitae Variant Classification Sherloc (09022015). Collection method: clinical testing. Allele origin: germline.
Comment: This sequence change replaces serine, which is neutral and polar, with threonine, which is neutral and polar, at codon 639 of the PMS2 protein (p.Ser639Thr). This variant is not present in population databases (gnomAD no frequency). This variant has not been reported in the literature in individuals affected with PMS2-related conditions. Advanced modeling of protein sequence and biophysical properties (such as structural, functional, and spatial information, amino acid conservation, physicochemical variation, residue mobility, and thermodynamic stability) performed at Invitae indicates that this missense variant is not expected to disrupt PMS2 protein function. In summary, the available evidence is currently insufficient to determine the role of this variant in disease. Therefore, it has been classified as a Variant of Uncertain Significance.